The following is an entry in ClinVar:

ClinVar aggregate classification (germline): Uncertain significance. Review status: criteria provided, multiple submitters, no conflicts (2 of 4 stars). 2 submissions from 2 submitters: Uncertain significance (2). Last evaluated 2025-08-29.

Conditions:
Cornelia de Lange syndrome 1 (CDLS1). Also called: TYPUS DEGENERATIVUS AMSTELODAMENSIS; Brachmann de Lange syndrome; NIPBL-Related Cornelia de Lange Syndrome. Identifiers: Orphanet 199, MedGen C4551851, MONDO:0007387, OMIM 122470.

gnomAD v4.1: 4 of 1,609,446 alleles (0.00025%); highest among the groups gnomAD compares: East Asian, 0.0022%; no homozygotes.

Submissions (2):

Labcorp Genetics (formerly Invitae), Labcorp
Classification: Uncertain significance for Cornelia de Lange syndrome 1. Last evaluated: 2025-08-29. Review status: criteria provided, single submitter. Criteria: Invitae Variant Classification Sherloc (09022015). Collection method: clinical testing. Allele origin: germline.
Comment: This sequence change replaces alanine, which is neutral and non-polar, with glycine, which is neutral and non-polar, at codon 2350 of the NIPBL protein (p.Ala2350Gly). This variant is not present in population databases (gnomAD no frequency). This variant has not been reported in the literature in individuals affected with NIPBL-related conditions. ClinVar contains an entry for this variant (Variation ID: 3592327). Invitae Evidence Modeling of protein sequence and biophysical properties (such as structural, functional, and spatial information, amino acid conservation, physicochemical variation, residue mobility, and thermodynamic stability) has been performed for this missense variant. However, the output from this modeling did not meet the statistical confidence thresholds required to predict the impact of this variant on NIPBL protein function. In summary, the available evidence is currently insufficient to determine the role of this variant in disease. Therefore, it has been classified as a Variant of Uncertain Significance.

Fulgent Genetics
Classification: Uncertain significance for Cornelia de Lange syndrome 1. Last evaluated: 2024-05-16. Review status: criteria provided, single submitter. Criteria: ACMG Guidelines, 2015. Collection method: clinical testing. Allele origin: germline.

NM_133433.4(NIPBL):c.7049C>G (p.Ala2350Gly)

Gene: NIPBL (NIPBL cohesin loading factor; plus strand). Cytogenetic location: 5p13.2.
Variant type: single nucleotide variant.
Coding change: c.7049C>G on transcript NM_133433.4 (MANE Select); coding-DNA position 7049, C replaced by G.
Protein change: p.Ala2350Gly; replaces alanine 2350 with glycine.
Molecular consequence: missense variant.
Genome position (GRCh38, 1-based): chr5:37,051,873, C>G. VCF-style: chr5-37051873-C-G. GRCh37 (hg19) VCF-style: chr5-37051975-C-G.
Other names: c.7049C>G, p.Ala2350Gly (NM_015384.5); short protein forms A2350G.
Identifiers: ClinVar variation 3592327 (VCV003592327.2).